The following is an entry in ClinVar:

ClinVar aggregate classification (germline): Uncertain significance (1 of 4 stars; one submission).

Conditions:
ZMIZ1-related disorder. Also called: ZMIZ1-related condition.

gnomAD v4.1: 3 of 1,613,546 alleles (0.00019%); highest among the groups gnomAD compares: Admixed American, 0.005%; no homozygotes.

Submission:

PreventionGenetics, part of Exact Sciences
Classification: Uncertain significance for ZMIZ1-related condition. Last evaluated: 2026-09-25. Review status: criteria provided, single submitter. Criteria: ACMG Guidelines, 2015. Collection method: clinical testing. Allele origin: germline.
Comment: The ZMIZ1 c.2996G>A variant is predicted to result in the amino acid substitution p.Ser999Asn. To our knowledge, this variant has not been reported in the literature or in a large population database (gnomAD), indicating this variant is rare. At this time, the clinical significance of this variant is uncertain due to the absence of conclusive functional and genetic evidence.

NM_020338.4(ZMIZ1):c.2996G>A (p.Ser999Asn)

Gene: ZMIZ1 (zinc finger MIZ-type containing 1; plus strand). Cytogenetic location: 10q22.3.
Variant type: single nucleotide variant.
Coding change: c.2996G>A on transcript NM_020338.4 (MANE Select); coding-DNA position 2996, G replaced by A.
Protein change: p.Ser999Asn; replaces serine 999 with asparagine.
Molecular consequence: missense variant.
Genome position (GRCh38, 1-based): chr10:79,311,084, G>A. VCF-style: chr10-79311084-G-A. GRCh37 (hg19) VCF-style: chr10-81070841-G-A.
Other names: short protein forms S999N.
Identifiers: ClinVar variation 4984814 (VCV004984814.1).